The following is an entry in ClinVar:

NM_001033855.3(DCLRE1C):c.597C>A (p.Tyr199Ter)

Gene: DCLRE1C (DNA cross-link repair 1C; minus strand). Cytogenetic location: 10p13.
Variant type: single nucleotide variant.
Coding change: c.597C>A on transcript NM_001033855.3 (MANE Select); coding-DNA position 597, C replaced by A.
Protein change: p.Tyr199Ter; replaces tyrosine 199 with a stop codon.
Molecular consequence: nonsense. On other transcripts: non-coding transcript variant (4).
Genome position (GRCh38, 1-based): chr10:14,934,461, G>T on the plus strand (C>A on the coding strand, the complement: DCLRE1C is on the minus strand). VCF-style: chr10-14934461-G-T. GRCh37 (hg19) VCF-style: chr10-14976460-G-T.
Other names: Y192*; NM_001033855.3(DCLRE1C):c.597C>A; p.Tyr199Ter; c.237C>A, p.Tyr79Ter (NM_001033857.3, NM_001033858.3, NM_001289077.2 and 2 more transcripts); c.252C>A, p.Tyr84Ter (NM_001289076.2, NM_001289078.2, NM_001350966.2 and 1 more transcripts); c.597C>A, p.Tyr199Ter (NM_001350965.2); short protein forms Y199*, Y79*, Y84*.
Identifiers: ClinVar variation 4673 (VCV000004673.18), dbSNP rs121908157, ClinGen allele CA117004.

ClinVar aggregate classification (germline): Pathogenic. Review status: reviewed by expert panel (3 of 4 stars). 6 submissions from 6 submitters: Pathogenic (1). 5 of the submissions do not count toward it. Last evaluated 2024-03-08.

Conditions:
Athabaskan severe combined immunodeficiency (SCIDA). Also called: Severe combined immunodeficiency, athabascan-type. Identifiers: MedGen C1865370.
Severe combined immunodeficiency due to DCLRE1C deficiency (RS-SCID). Also called: SCID, AUTOSOMAL RECESSIVE, T CELL-NEGATIVE, B CELL-NEGATIVE, NK CELL-POSITIVE, WITH SENSITIVITY TO IONIZING RADIATION. Identifiers: Orphanet 275, MedGen C1865371, MONDO:0011225, OMIM 602450.
Histiocytic medullary reticulosis. Also called: Omenn syndrome; SEVERE COMBINED IMMUNODEFICIENCY WITH HYPEREOSINOPHILIA. Identifiers: Orphanet 39041, MedGen C2700553, MONDO:0011338, OMIM 603554.

Allele frequency attached by ClinVar (database versions not stated): gnomAD exomes below 0.00001.
gnomAD v4.1: 2 of 1,614,170 alleles (0.00012%); highest among the groups gnomAD compares: Non-Finnish European, 0.00017%; no homozygotes.

Submissions (6):

ClinGen Severe Combined Immunodeficiency Variant Curation Expert Panel, ClinGen
Classification: Pathogenic for Severe combined immunodeficiency due to DCLRE1C deficiency. Last evaluated: 2024-03-08. Review status: reviewed by expert panel. Criteria: ClinGen SCID ACMG Specifications DCLRE1C V1.0.0. Collection method: curation. Allele origin: germline. Inheritance: Autosomal recessive inheritance.
Comment: The c.597C>A (p.Tyr199Ter)(NM_001033855.3) variant in DCLRE1C is a nonsense variant predicted to cause a premature stop codon in biologically relevant exon 8/14 leading to nonsense-mediated decay in a gene in which loss-of-function is an established disease mechanism (PVS1 is met). The filtering allele frequency (the upper threshold of the 95% CI of 2/350108 alleles) of the c.597C>A variant in DCLRE1C is 0.00000095 for European (non-Finnish) chromosomes by gnomAD v4, which is lower than the ClinGen SCID VCEP threshold (<0.00003266) for PM2_Supporting, and therefore meets this criterion (PM2_Supporting). No homozygotes have been observed in gnomAD. This variant frequently occurs among Athabascan-speaking Native Americans, encompassing the Navajo, Apache, and other indigenous groups in North America. PMID 36546626 shows four occurrences in homozygosity (Patient ART001, Patient ART008, Patient ART009, and Patient ART013), reaching the maximum of 1 point. PM3 is met. Total is 3.25 points, PP4_Moderate. Additionally, functional assays show activity levels in % of WT activity = Recombination: Mean (SD): 0.00 (1.21) and DNA repair (36h after IR): Mean (SD): 7.46 (19.56). Both values are lower than our established threshold for abnormal results (defined as <25% of wild-type activity). Thus, PS3 is Met at a moderate level (PMID: 25917813). In summary, this variant meets the criteria to be classified as Pathogenic for autosomal recessive severe combined immunodeficiency due to DCLRE1C deficiency based on the ACMG/AMP criteria applied, as specified by the ClinGen SCID VCEP: PVS1, PM2_Supporting, PM3, PP4, and PS3_Moderate (VCEP specifications version 1).

Labcorp Genetics (formerly Invitae), Labcorp
Classification: Pathogenic for Athabaskan severe combined immunodeficiency. Last evaluated: 2025-02-13. Review status: criteria provided, single submitter. Criteria: Invitae Variant Classification Sherloc (09022015). Collection method: clinical testing. Allele origin: germline. Not counted in ClinVar's aggregate classification.
Comment: This sequence change creates a premature translational stop signal (p.Tyr199*) in the DCLRE1C gene. It is expected to result in an absent or disrupted protein product. Loss-of-function variants in DCLRE1C are known to be pathogenic (PMID: 21664875, 26123418). This variant is present in population databases (rs121908157, gnomAD no frequency). This premature translational stop signal has been observed in individuals with severe combined immunodeficiency (PMID: 12055248, 25762520). It is commonly reported in individuals of Navajo and Apache Native American ancestry (PMID: 12055248). ClinVar contains an entry for this variant (Variation ID: 4673). For these reasons, this variant has been classified as Pathogenic.

GeneDx
Classification: Pathogenic. Last evaluated: 2024-06-04. Review status: criteria provided, single submitter. Criteria: GeneDx Variant Classification Process June 2021. Collection method: clinical testing. Allele origin: germline. Affected: yes. Not counted in ClinVar's aggregate classification.
Comment: Published functional studies demonstrate a damaging effect due to decreased V(D)J recombination and DNA repair activity levels (PMID: 25917813); Nonsense variant predicted to result in protein truncation or nonsense mediated decay in a gene for which loss of function is a known mechanism of disease; Not observed at significant frequency in large population cohorts (gnomAD); Also known as Y192X; This variant is associated with the following publications: (PMID: 25109802, 28436970, 25762520, 35729475, 12055248, 25917813)

Baylor Genetics
Classification: Pathogenic for Histiocytic medullary reticulosis. Last evaluated: 2023-12-04. Review status: criteria provided, single submitter. Criteria: ACMG Guidelines, 2015. Collection method: clinical testing. Allele origin: unknown. Not counted in ClinVar's aggregate classification.

Natera, Inc.
Classification: Pathogenic for Athabascan severe combined immunodeficiency. Last evaluated: 2020-09-03. Review status: no assertion criteria provided. Collection method: clinical testing. Allele origin: germline. Not counted in ClinVar's aggregate classification.

OMIM
Classification: Pathogenic for SEVERE COMBINED IMMUNODEFICIENCY, ATHABASCAN-TYPE. Last evaluated: 2002-06-15. Review status: no assertion criteria provided. Collection method: literature only. Allele origin: germline. Not counted in ClinVar's aggregate classification.

Literature cited by the submitters: PubMed 21664875 (cited by Labcorp Genetics (formerly Invitae), Labcorp); PubMed 26123418 (cited by Labcorp Genetics (formerly Invitae), Labcorp); PubMed 12055248 (cited by Labcorp Genetics (formerly Invitae), Labcorp and OMIM); PubMed 25762520 (cited by Labcorp Genetics (formerly Invitae), Labcorp).